The following is an entry in ClinVar:

NM_006019.4(TCIRG1):c.1684C>T (p.Gln562Ter)

Gene: TCIRG1 (T cell immune regulator 1, ATPase H+ transporting V0 subunit a3; plus strand). Cytogenetic location: 11q13.2.
Variant type: single nucleotide variant.
Coding change: c.1684C>T on transcript NM_006019.4 (MANE Select); coding-DNA position 1684, C replaced by T.
Protein change: p.Gln562Ter; replaces glutamine 562 with a stop codon.
Molecular consequence: nonsense.
Genome position (GRCh38, 1-based): chr11:68,049,091, C>T. VCF-style: chr11-68049091-C-T. GRCh37 (hg19) VCF-style: chr11-67816558-C-T.
Other names: c.790C>T, p.Gln264Ter (NM_001351059.2); c.1036C>T, p.Gln346Ter (NM_006053.4); short protein forms Q264*, Q346*, Q562*.
Identifiers: ClinVar variation 995579 (VCV000995579.11), dbSNP rs1855655612, ClinGen allele CA381585906.

ClinVar aggregate classification (germline): Pathogenic/Likely pathogenic. Review status: criteria provided, multiple submitters, no conflicts (2 of 4 stars). 6 submissions from 6 submitters: Pathogenic (5); Likely pathogenic (1). Last evaluated 2025-02-25.

Conditions:
Autosomal recessive osteopetrosis 1. Also called: ALBERS-SCHONBERG DISEASE, AUTOSOMAL RECESSIVE; TCIRG1-Related Osteopetrosis; TCIRG1-Related Autosomal Recessive Osteopetrosis. Identifiers: Orphanet 667, MedGen C1850127, MONDO:0009815, OMIM 259700.

gnomAD v4.1: 1 of 1,613,604 alleles (0.000062%); no homozygotes.

Submissions (6):

Natera, Inc.
Classification: Pathogenic for Infantile malignant osteopetrosis. Last evaluated: 2025-02-25. Review status: criteria provided, single submitter. Criteria: Natera Variant Classification Schema (03/2026). Collection method: clinical testing. Allele origin: germline.
Comment: The c.1684C>T variant in TCIRG1 is a nonsense variant predicted to introduce a stop codon at amino acid 562. This variant is expected to result in nonsense mediated decay, truncation, or a dysfunctional protein product. This variant is rare in the general population with a frequency below the threshold expected for the associated phenotype(s). This variant has been observed in one or more individuals affected with the associated recessive disease, as either homozygous or compound heterozygous with a second variant (PMID: 20424301). Given the available evidence, this variant is classified as Pathogenic.

Labcorp Genetics (formerly Invitae), Labcorp
Classification: Pathogenic. Last evaluated: 2024-03-04. Review status: criteria provided, single submitter. Criteria: Invitae Variant Classification Sherloc (09022015). Collection method: clinical testing. Allele origin: germline.
Comment: This sequence change creates a premature translational stop signal (p.Gln562*) in the TCIRG1 gene. It is expected to result in an absent or disrupted protein product. Loss-of-function variants in TCIRG1 are known to be pathogenic (PMID: 10888887, 10942435, 11532986, 19448635). This variant is not present in population databases (gnomAD no frequency). This premature translational stop signal has been observed in individual(s) with osteopetrosis (PMID: 20424301). ClinVar contains an entry for this variant (Variation ID: 995579). For these reasons, this variant has been classified as Pathogenic.

Baylor Genetics
Classification: Pathogenic for Autosomal recessive osteopetrosis 1. Last evaluated: 2024-02-27. Review status: criteria provided, single submitter. Criteria: ACMG Guidelines, 2015. Collection method: clinical testing. Allele origin: unknown.

Molecular Lab, Department of Haematology, Christian Medical College
Classification: Pathogenic for Autosomal recessive osteopetrosis 1. Last evaluated: 2022-05-20. Review status: criteria provided, single submitter. Criteria: ACMG Guidelines, 2015. Collection method: clinical testing. Allele origin: germline. Affected: yes. Observed: 1 variant allele.

Fulgent Genetics
Classification: Pathogenic for Autosomal recessive osteopetrosis 1. Last evaluated: 2021-11-24. Review status: criteria provided, single submitter. Criteria: ACMG Guidelines, 2015. Collection method: clinical testing. Allele origin: unknown.

Molecular Diagnostics Laboratory, M Health Fairview: University of Minnesota
Classification: Likely pathogenic for Autosomal recessive osteopetrosis 1. Last evaluated: 2020-12-17. Review status: criteria provided, single submitter. Criteria: ACMG Guidelines, 2015. Collection method: clinical testing. Allele origin: germline. Affected: yes.

Literature cited by the submitters: PubMed 20424301 (cited by Natera, Inc. and Labcorp Genetics (formerly Invitae), Labcorp); PubMed 10888887 (cited by Labcorp Genetics (formerly Invitae), Labcorp); PubMed 10942435 (cited by Labcorp Genetics (formerly Invitae), Labcorp); PubMed 11532986 (cited by Labcorp Genetics (formerly Invitae), Labcorp); PubMed 19448635 (cited by Labcorp Genetics (formerly Invitae), Labcorp).